The following is an entry in ClinVar:

NM_001040108.2(MLH3):c.3932_3933delinsTT (p.Arg1311Ile)

Gene: MLH3 (mutL homolog 3; minus strand). Cytogenetic location: 14q24.3.
Variant type: Indel.
Coding change: c.3932_3933delinsTT on transcript NM_001040108.2 (MANE Select); coding-DNA positions 3932 to 3933, GA replaced by TT.
Protein change: p.Arg1311Ile; replaces arginine 1311 with isoleucine.
Molecular consequence: missense variant.
Genome position (GRCh38, 1-based): chr14:75,030,597-75,030,598, TC replaced by AA on the plus strand (GA replaced by TT on the coding strand, the reverse complement: MLH3 is on the minus strand). VCF-style: chr14-75030597-TC-AA. GRCh37 (hg19) VCF-style: chr14-75497300-TC-AA.
Other names: c.3860_3861delinsTT, p.Arg1287Ile (NM_014381.3); short protein forms R1287I, R1311I.
Identifiers: ClinVar variation 3873465 (VCV003873465.2).

ClinVar aggregate classification (germline): Uncertain significance. Review status: criteria provided, multiple submitters, no conflicts (2 of 4 stars). 2 submissions from 2 submitters: Uncertain significance (2). Last evaluated 2025-12-01.

Conditions:
Colorectal cancer, hereditary nonpolyposis, type 7. Identifiers: Orphanet 144, MedGen C1858380, MONDO:0013725, OMIM 614385.

Submissions (2):

Labcorp Genetics (formerly Invitae), Labcorp
Classification: Uncertain significance for Colorectal cancer, hereditary nonpolyposis, type 7. Last evaluated: 2025-12-01. Review status: criteria provided, single submitter. Criteria: Invitae Variant Classification Sherloc (09022015). Collection method: clinical testing. Allele origin: germline.
Comment: This sequence change replaces arginine, which is basic and polar, with isoleucine, which is neutral and non-polar, at codon 1311 of the MLH3 protein (p.Arg1311Ile). Information on the frequency of this variant in the gnomAD database is not available, as this variant may be reported differently in the database. This variant has not been reported in the literature in individuals affected with MLH3-related conditions. ClinVar contains an entry for this variant (Variation ID: 3873465). An algorithm developed to predict the effect of missense changes on protein structure and function (PolyPhen-2) suggests that this variant is likely to be disruptive. In summary, the available evidence is currently insufficient to determine the role of this variant in disease. Therefore, it has been classified as a Variant of Uncertain Significance.

Ambry Genetics
Classification: Uncertain significance. Last evaluated: 2025-01-15. Review status: criteria provided, single submitter. Criteria: Ambry Variant Classification Scheme 2023. Collection method: clinical testing. Allele origin: germline.
Comment: The c.3932_3933delGAinsTT variant (also known as p.R1311I), located in coding exon 8 of the MLH3 gene, results from an in-frame deletion of GA and insertion of TT at nucleotide positions 3932 to 3933. This results in the substitution of the arginine residue for an isoleucine residue at codon 1311, an amino acid with similar properties. This amino acid position is well conserved in available vertebrate species. In addition, the in silico prediction for this alteration is inconclusive (Choi Y et al. PLoS ONE. 2012; 7(10):e46688). The evidence for this gene-disease relationship is limited; therefore, the clinical significance of this alteration is unclear.